The following is an entry in ClinVar:

NM_001034850.3(RETREG1):c.505C>T (p.His169Tyr)

Gene: RETREG1 (reticulophagy regulator 1; minus strand). Cytogenetic location: 5p15.1.
Variant type: single nucleotide variant.
Coding change: c.505C>T on transcript NM_001034850.3 (MANE Select); coding-DNA position 505, C replaced by T.
Protein change: p.His169Tyr; replaces histidine 169 with tyrosine.
Molecular consequence: missense variant.
Genome position (GRCh38, 1-based): chr5:16,483,426, G>A on the plus strand (C>T on the coding strand, the complement: RETREG1 is on the minus strand). VCF-style: chr5-16483426-G-A. GRCh37 (hg19) VCF-style: chr5-16483535-G-A.
Other names: c.82C>T, p.His28Tyr (NM_019000.5); short protein forms H28Y, H169Y.
Identifiers: ClinVar variation 1973162 (VCV001973162.5), dbSNP rs1738892672, ClinGen allele CA359259630.

ClinVar aggregate classification (germline): Uncertain significance (1 of 4 stars; one submission).

Allele frequency attached by ClinVar (database versions not stated): gnomAD 0.00001.
gnomAD v4.1: 1 of 1,613,086 alleles (0.000062%); highest among the groups gnomAD compares: South Asian, 0.0011%; no homozygotes.

Submission:

Labcorp Genetics (formerly Invitae), Labcorp
Classification: Uncertain significance. Last evaluated: 2022-07-22. Review status: criteria provided, single submitter. Criteria: Invitae Variant Classification Sherloc (09022015). Collection method: clinical testing. Allele origin: germline.
Comment: This variant has not been reported in the literature in individuals affected with RETREG1-related conditions. In summary, the available evidence is currently insufficient to determine the role of this variant in disease. Therefore, it has been classified as a Variant of Uncertain Significance. Algorithms developed to predict the effect of missense changes on protein structure and function are either unavailable or do not agree on the potential impact of this missense change (SIFT: "Tolerated"; PolyPhen-2: "Possibly Damaging"; Align-GVGD: "Class C0"). This variant is not present in population databases (gnomAD no frequency). This sequence change replaces histidine, which is basic and polar, with tyrosine, which is neutral and polar, at codon 169 of the RETREG1 protein (p.His169Tyr).